The following is an entry in ClinVar:

ClinVar aggregate classification (germline): Benign. Review status: criteria provided, multiple submitters, no conflicts (2 of 4 stars). 3 submissions from 3 submitters: Benign (2). 1 of the submissions does not count toward it. Last evaluated 2018-07-31.

Conditions:
COL15A1-related disorder. Also called: COL15A1-related condition.

Allele frequency attached by ClinVar (database versions not stated): 1000 Genomes Project 30x 0.00390; 1000 Genomes Project 0.00419; ExAC 0.00807; gnomAD 0.00831 and 0.00835; TOPMed 0.00843; gnomAD exomes 0.00851; ESP Exome Variant Server 0.00923.
gnomAD v4.1: 19,276 of 1,614,180 alleles (1.2%); highest among the groups gnomAD compares: Non-Finnish European, 1.4%; 138 homozygotes.

Submissions (3):

Labcorp Genetics (formerly Invitae), Labcorp
Classification: Benign. Last evaluated: 2018-07-31. Review status: criteria provided, single submitter. Criteria: Invitae Variant Classification Sherloc (09022015). Collection method: clinical testing. Allele origin: germline.

Breakthrough Genomics
Classification: Benign. Review status: criteria provided, single submitter. Criteria: ACMG Guidelines, 2015. Collection method: not provided. Allele origin: germline. Inheritance: Unknown mechanism. Affected: yes.

PreventionGenetics, part of Exact Sciences
Classification: Benign for COL15A1-related condition. Last evaluated: 2019-03-06. Review status: no assertion criteria provided. Collection method: clinical testing. Allele origin: germline. Not counted in ClinVar's aggregate classification.
Comment: This variant is classified as benign based on ACMG/AMP sequence variant interpretation guidelines (Richards et al. 2015 PMID: 25741868, with internal and published modifications).

NM_001855.5(COL15A1):c.2268C>G (p.Leu756=)

Gene: COL15A1 (collagen type XV alpha 1 chain; plus strand). Cytogenetic location: 9q22.33.
Variant type: single nucleotide variant.
Coding change: c.2268C>G on transcript NM_001855.5 (MANE Select); coding-DNA position 2268, C replaced by G.
Protein change: p.Leu756=; no amino-acid change (leucine 756 retained).
Molecular consequence: synonymous variant.
Genome position (GRCh38, 1-based): chr9:99,035,397, C>G. VCF-style: chr9-99035397-C-G. GRCh37 (hg19) VCF-style: chr9-101797679-C-G.
Identifiers: ClinVar variation 718078 (VCV000718078.6), dbSNP rs35494947, ClinGen allele CA5155277.
Genomic context (GRCh38, chr9:99,035,397, plus strand): 5'-GCTCCTTCCCCAGGATACCGAAGGCTCTGGAAGCACCCAGCTATTGAATGAACCCAAACT[C>G]TCCAGACCAACGGCTGCAATTGTAGGTCGCCTCTGAAACCTTCATTATGAGGGTTGTCAC-3'
Protein context (NP_001846.3, residues 746-766): GSTQLLNEPK[Leu756=]SRPTAAIGLK